The following is an entry in ClinVar:

ClinVar aggregate classification (germline): Pathogenic/Likely pathogenic. Review status: criteria provided, multiple submitters, no conflicts (2 of 4 stars). 10 submissions from 10 submitters: Pathogenic (8); Likely pathogenic (1). 1 of the submissions does not count toward it. Last evaluated 2024-12-18.

Conditions:
Hereditary cancer-predisposing syndrome. Also called: Hereditary Cancer Syndrome; Hereditary neoplastic syndrome; Neoplastic Syndromes, Hereditary; Tumor predisposition. Identifiers: Orphanet 140162, MedGen C0027672, MeSH D009386, MONDO:0015356.
Ovarian neoplasm. Also called: Ovarian Neoplasms; Neoplasm of ovary; Ovarian tumor. Identifiers: MedGen C0919267, MeSH D010051, MONDO:0021068, HP:0100615.
Breast-ovarian cancer, familial, susceptibility to, 1 (BROVCA1). Also called: BRCA1 Hereditary Breast and Ovarian Cancer; OVARIAN CANCER, SUSCEPTIBILITY TO. Identifiers: Orphanet 145, MedGen C2676676, MONDO:0011450, OMIM 604370. Disease mechanism: loss of function.
Hereditary breast ovarian cancer syndrome. Also called: BRCA1- and BRCA2-Associated Hereditary Breast and Ovarian Cancer; Hereditary breast and ovarian cancer syndrome; Hereditary breast and ovarian cancer syndrome (HBOC); Breast and ovarian cancer; Hereditary breast and/or ovarian cancer syndrome; Hereditary breast and ovarian cancer. Identifiers: Orphanet 145, MedGen C0677776, MeSH D061325, MONDO:0003582. Disease mechanism: loss of function.

Submissions (10):

Ambry Genetics
Classification: Pathogenic for Hereditary cancer-predisposing syndrome. Last evaluated: 2024-12-18. Review status: criteria provided, single submitter. Criteria: Ambry Variant Classification Scheme 2023. Collection method: clinical testing. Allele origin: germline.
Comment: The c.5193+1delG intronic pathogenic mutation, located in intron 17 of the BRCA1 gene, results from a deletion of one nucleotide within intron 17 of the BRCA1 gene. This alteration was also identified in a large, worldwide study of BRCA1/2 mutation positive families (Rebbeck TR et al. Hum Mutat, 2018 05;39:593-620). This variant is considered to be rare based on population cohorts in the Genome Aggregation Database (gnomAD). This nucleotide position is highly conserved in available vertebrate species. In silico splice site analysis predicts that this alteration will weaken the native splice donor site and will result in the creation or strengthening of a novel splice donor site. RNA studies have demonstrated that this alteration results in abnormal splicing in the set of samples tested (Ambry internal data; Wappenschmidt B et al. PLoS ONE 2012 Dec;7(12):e50800). In addition to the clinical data presented in the literature, alterations that disrupt the canonical splice site are expected to cause aberrant splicing, resulting in an abnormal protein or a transcript that is subject to nonsense-mediated mRNA decay. As such, this alteration is classified as a disease-causing mutation.

GeneDx
Classification: Pathogenic. Last evaluated: 2023-07-18. Review status: criteria provided, single submitter. Criteria: GeneDx Variant Classification Process June 2021. Collection method: clinical testing. Allele origin: germline. Affected: yes.
Comment: Canonical splice site variant emonstrated to result in protein truncation or nonsense mediated decay in a gene for which loss-of-function is a known mechanism of disease (Wappenschmidt et al., 2012); Observed in individuals with a personal and family history consistent with pathogenic variants in this gene (Wappenschmidt et al., 2012; Heidemann et al., 2012); Not observed at significant frequency in large population cohorts (gnomAD); Also known as 5312+1del; This variant is associated with the following publications: (PMID: 23239986, 29446198, 22535016)

Labcorp Genetics (formerly Invitae), Labcorp
Classification: Pathogenic for Hereditary breast ovarian cancer syndrome. Last evaluated: 2023-06-30. Review status: criteria provided, single submitter. Criteria: Invitae Variant Classification Sherloc (09022015). Collection method: clinical testing. Allele origin: germline.
Comment: For these reasons, this variant has been classified as Pathogenic. This sequence change creates a premature translational stop signal (Splice site) in the BRCA1 gene. RNA analysis indicates that this premature translational stop signal induces altered splicing and may result in an absent or disrupted protein product. This variant is not present in population databases (gnomAD no frequency). This premature translational stop signal has been observed in individual(s) with breast and ovarian cancer (PMID: 22535016, 23239986). This variant is also known as c.5193+1del, IVS19+1delG. ClinVar contains an entry for this variant (Variation ID: 55449). Studies have shown that this premature translational stop signal results in deletion of the last nucleotide of exon 18 due to the activation of a cryptic splice site and introduces a premature termination codon (PMID: 23239986; Invitae). The resulting mRNA is expected to undergo nonsense-mediated decay.

Quest Diagnostics Nichols Institute San Juan Capistrano
Classification: Pathogenic. Last evaluated: 2021-06-27. Review status: criteria provided, single submitter. Criteria: Quest Diagnostics criteria. Collection method: clinical testing. Allele origin: unknown.
Comment: This variant is located in a canonical splice-donor site and interferes with normal BRCA1 mRNA splicing. Additionally, in vitro splicing analysis shows that the variant results in a frameshift (PMID: 23239986 (2012)). Based on the available information, this variant is classified as pathogenic.

Institute of Medical Genetics and Applied Genomics, University Hospital Tübingen
Classification: Likely pathogenic. Last evaluated: 2020-10-23. Review status: criteria provided, single submitter. Criteria: ACMG Guidelines, 2015. Collection method: clinical testing. Allele origin: germline. Inheritance: Unknown mechanism. Affected: yes.

Women's Health and Genetics/Laboratory Corporation of America, LabCorp
Classification: Pathogenic for Hereditary breast and ovarian cancer syndrome. Last evaluated: 2020-10-22. Review status: criteria provided, single submitter. Criteria: LabCorp Variant Classification Summary - May 2015. Collection method: clinical testing. Allele origin: germline.
Comment: Variant summary: BRCA1 c.5193+1delG is located in a canonical splice-site and is predicted to affect mRNA splicing resulting in a significantly altered protein due to either exon skipping, shortening, or inclusion of intronic material. Several computational tools predict a significant impact on normal splicing: Four predict the variant abolishes canonical 5 splicing donor site and three predict the variant creates a new 5 donor site. At least one publication reports experimental evidence that this variant affects mRNA splicing. Wappenschmidt et al report that the variant did not associate with a suspicious splicing pattern when performed gel electrophoresis of RT-PCR products. However, sequencing revealed the deletion of the last 3nucleotide of exon on mRNA level due to the activation of a cryptic splice site which includes the last nucleotide of that exon (Wappenschmidt_2012). The variant was absent in 251130 control chromosomes (gnomAD). c.5193+1delG has been reported in the literature in multiple individuals affected with Hereditary Breast and Ovarian Cancer Syndrome (example: Rebbeck_2018, Wappenschmidt_2012). These data indicate that the variant is very likely to be associated with disease. Four ClinVar submitters (evaluation after 2014) cite the variant as pathogenic. Based on the evidence outlined above, the variant was classified as pathogenic.

ARUP Laboratories, Molecular Genetics and Genomics, ARUP Laboratories
Classification: Pathogenic. Last evaluated: 2019-05-02. Review status: criteria provided, single submitter. Criteria: ARUP Molecular Germline Variant Investigation Process. Collection method: clinical testing. Allele origin: germline.
Comment: The BRCA1 c.5193+1delG variant (rs397509236), also known as IVS19+1delG, is reported in the literature in a family affected with breast and ovarian cancer, although a pathogenic BRCA2 variant was also reported in this family (Heidemann 2012). The c.5193+1delG variant is absent from general population databases (Exome Variant Server, Genome Aggregation Database), indicating it is not a common polymorphism, and it is reported as pathogenic by several laboratories in ClinVar (Variation ID: 55449). This variant abolishes the canonical splice donor site of intron 19, which is likely to disrupt gene function. Based on available information, this variant is considered to be pathogenic. References: Heidemann S et al. Double heterozygosity for mutations in BRCA1 and BRCA2 in German breast cancer patients: implications on test strategies and clinical management. Breast Cancer Res Treat. 2012 Aug;134(3):1229-39.

Institute of Human Genetics, University of Leipzig Medical Center
Classification: Pathogenic for Breast-ovarian cancer, familial, susceptibility to, 1. Last evaluated: 2019-01-01. Review status: criteria provided, single submitter. Criteria: ACMG Guidelines, 2015. Collection method: clinical testing. Allele origin: unknown. Affected: no.

Consortium of Investigators of Modifiers of BRCA1/2 (CIMBA), c/o University of Cambridge
Classification: Pathogenic for Breast-ovarian cancer, familial, susceptibility to, 1. Last evaluated: 2015-10-02. Review status: criteria provided, single submitter. Criteria: CIMBA Mutation Classification guidelines May 2016. Collection method: clinical testing. Allele origin: germline.

German Consortium for Hereditary Breast and Ovarian Cancer, University Hospital Cologne
Classification: Pathogenic for Ovarian neoplasm. Last evaluated: 2018-12-01. Review status: no assertion criteria provided. Collection method: research. Allele origin: germline. Affected: yes. Not counted in ClinVar's aggregate classification.

Literature cited by the submitters: PubMed 22535016 (cited by 3 submitters); PubMed 23239986 (cited by 4 submitters); PubMed 29446198 (cited by 3 submitters).

NM_007294.4(BRCA1):c.5193+1del

Gene: BRCA1 (BRCA1 DNA repair associated; minus strand). Cytogenetic location: 17q21.31.
Variant type: Deletion.
Coding change: c.5193+1del on transcript NM_007294.4 (MANE Select); the canonical splice donor site of the intron after coding-DNA position 5193, one base deleted (G; older notation c.5193+1delG).
Molecular consequence: splice donor variant.
Genome position (GRCh38, 1-based): chr17:43,063,332, C deleted on the plus strand (G on the coding strand, the reverse complement: BRCA1 is on the minus strand); the first of 2 consecutive C bases (chr17:43,063,332-43,063,333); deleting either gives the same sequence. VCF-style (leftmost placement, unchanged base first): chr17-43063331-AC-A. GRCh37 (hg19) VCF-style: chr17-41215348-AC-A.
Other names: c.5193+1delG (NM_007294.3); c.1881+1del (NM_001408472.1, NM_001407990.1, NM_007299.4 and 12 more transcripts); c.1884+1del (NM_001407974.1, NM_001407976.1, NM_001407973.1 and 3 more transcripts); c.2586+1del (NM_001407969.1); c.2589+1del (NM_001407968.1); c.5187+1del (NM_001407640.1, NM_001407632.1, NM_001407627.1 and 14 more transcripts); c.5190+1del (NM_001407626.1, NM_001407617.1, NM_001407613.1 and 17 more transcripts); c.5115+1del (NM_001407652.1, NM_001407654.1, NM_001407653.1 and 1 more transcripts); and 73 more.
Identifiers: ClinVar variation 55449 (VCV000055449.32), dbSNP rs397509236, ClinGen allele CA003335.